The following is an entry in ClinVar:

NM_001079872.2(CUL4B):c.1565T>G (p.Phe522Cys)

Gene: CUL4B (cullin 4B; minus strand). Cytogenetic location: Xq24.
Variant type: single nucleotide variant.
Coding change: c.1565T>G on transcript NM_001079872.2 (MANE Select); coding-DNA position 1565, T replaced by G.
Protein change: p.Phe522Cys; replaces phenylalanine 522 with cysteine.
Molecular consequence: missense variant.
Genome position (GRCh38, 1-based): chrX:120,540,441, A>C on the plus strand (T>G on the coding strand, the complement: CUL4B is on the minus strand). VCF-style: chrX-120540441-A-C. GRCh37 (hg19) VCF-style: chrX-119674296-A-C.
Other names: c.1580T>G, p.Phe527Cys (NM_001330624.2); c.1031T>G, p.Phe344Cys (NM_001369145.1); c.1619T>G, p.Phe540Cys (NM_003588.4); short protein forms F344C, F522C, F527C, F540C.
Identifiers: ClinVar variation 1691673 (VCV001691673.3), dbSNP rs2147329870, ClinGen allele CA414196761.
Genomic context (GRCh38, chrX:120,540,441, plus strand): 5'-GCTGGTTTATTTGGTCTTTTGTTAATGAACGTTTCAAATGCTTCTTTCATGGCATTGATA[A>C]ATTTCTCATTCTTCAGAAAGCAGATATCAATTATATGGTCAACCTTATCTTTAAAATCCA-3'
Protein context (NP_001073341.1, residues 512-532): IDICFLKNEK[Phe522Cys]INAMKEAFET

ClinVar aggregate classification (germline): Uncertain significance (1 of 4 stars; one submission).

Submission:

GeneDx
Classification: Uncertain significance. Last evaluated: 2021-12-03. Review status: criteria provided, single submitter. Criteria: GeneDx Variant Classification Process June 2021. Collection method: clinical testing. Allele origin: germline. Affected: yes.
Comment: Not observed at significant frequency in large population cohorts (gnomAD); In silico analysis supports that this missense variant has a deleterious effect on protein structure/function; Has not been previously published as pathogenic or benign to our knowledge